The following is an entry in ClinVar:

ClinVar aggregate classification (germline): Uncertain significance (1 of 4 stars; one submission).

Submission:

GeneDx
Classification: Uncertain significance. Last evaluated: 2025-02-21. Review status: criteria provided, single submitter. Criteria: GeneDx Variant Classification Process June 2021. Collection method: clinical testing. Allele origin: germline. Affected: yes.
Comment: Not observed at significant frequency in large population cohorts (gnomAD); In silico analysis supports that this missense variant has a deleterious effect on protein structure/function; Has not been previously published as pathogenic or benign to our knowledge

NM_004329.3(BMPR1A):c.1135G>A (p.Ala379Thr)

Gene: BMPR1A (bone morphogenetic protein receptor type 1A; plus strand). Cytogenetic location: 10q23.2.
Variant type: single nucleotide variant.
Coding change: c.1135G>A on transcript NM_004329.3 (MANE Select); coding-DNA position 1135, G replaced by A.
Protein change: p.Ala379Thr; replaces alanine 379 with threonine.
Molecular consequence: missense variant. On other transcripts: non-coding transcript variant (3).
Genome position (GRCh38, 1-based): chr10:86,919,438, G>A. VCF-style: chr10-86919438-G-A. GRCh37 (hg19) VCF-style: chr10-88679195-G-A.
Other names: c.1135G>A, p.Ala379Thr (NM_001406579.1, NM_001406580.1, NM_001406581.1 and 19 more transcripts); c.1129G>A, p.Ala377Thr (NM_001406583.1); c.1051G>A, p.Ala351Thr (NM_001406584.1, NM_001406585.1, NM_001406586.1 and 2 more transcripts); c.793G>A, p.Ala265Thr (NM_001406589.1); c.1210G>A, p.Ala404Thr (NM_001406559.1); c.1183G>A, p.Ala395Thr (NM_001406560.1); short protein forms A265T, A351T, A377T, A379T, A395T, A404T.
Identifiers: ClinVar variation 4076791 (VCV004076791.1).
Genomic context (GRCh38, chr10:86,919,438, plus strand): 5'-GCTCATCGAGACCTAAAGAGCAAAAACATCCTCATCAAGAAAAATGGGAGTTGCTGCATT[G>A]CTGACCTGGGCCTTGCTGTTAAATTCAACAGGTGAGTGGTTCTTTGCCCCACTGTTTTGA-3'
Protein context (NP_004320.2, residues 369-389): LIKKNGSCCI[Ala379Thr]DLGLAVKFNS